The following is an entry in ClinVar:

ClinVar aggregate classification (germline): Pathogenic (1 of 4 stars; one submission).

Submission:

Labcorp Genetics (formerly Invitae), Labcorp
Classification: Pathogenic. Last evaluated: 2023-11-27. Review status: criteria provided, single submitter. Criteria: Invitae Variant Classification Sherloc (09022015). Collection method: clinical testing. Allele origin: germline.
Comment: This variant is a gross deletion of the genomic region encompassing exon(s) 4-9 of the GPR143 gene, which includes the termination codon. This deletion extends beyond the assayed region for this gene and therefore may encompass additional genes. While this deletion is not anticipated to lead to nonsense mediated decay, it is expected to alter mRNA translation or result in a truncated protein product. This variant has not been reported in the literature in individuals affected with GPR143-related conditions. The region of the GPR143 gene that includes exon(s) 4 has been determined to be clinically significant (PMID: 9529334, 27734839). Therefore, deletions that encompass that region are likely to be disease-causing. For these reasons, this variant has been classified as Pathogenic.

Literature cited by the submitters: PubMed 9529334; PubMed 27734839.

NC_000023.10:g.(?_9679631)_(9716726_?)del

Genes: GPR143 (G protein-coupled receptor 143; minus strand), TBL1X (transducin beta like 1 X-linked; plus strand). Cytogenetic location: Xp22.2.
Variant type: Deletion.
Identifiers: ClinVar variation 1457365 (VCV001457365.5).